The following is an entry in ClinVar:

ClinVar aggregate classification (germline): Likely benign. Review status: criteria provided, single submitter (1 of 4 stars). 3 submissions from 3 submitters: Likely benign (1). 2 of the submissions do not count toward it. Last evaluated 2025-12-11.

Conditions:
EVC-related disorder. Also called: EVC-related condition; EVC-related disorders.
Ellis-van Creveld syndrome (EVC). Also called: Chondroectodermal dysplasia; MESOECTODERMAL DYSPLASIA. Identifiers: Orphanet 289, MedGen C0013903, MONDO:0009162, OMIM 225500.
Curry-Hall syndrome (WAD). Also called: WEYERS ACRODENTAL DYSOSTOSIS. Identifiers: Orphanet 952, MedGen C0457013, MONDO:0008673, OMIM 193530.

Allele frequency attached by ClinVar (database versions not stated): ESP Exome Variant Server 0.00008; gnomAD exomes 0.00008; gnomAD 0.00013; TOPMed 0.00022.
gnomAD v4.1: 143 of 1,614,026 alleles (0.0089%); highest among the groups gnomAD compares: Admixed American, 0.037%; no homozygotes.

Submissions (3):

Labcorp Genetics (formerly Invitae), Labcorp
Classification: Likely benign for Curry-Hall syndrome; Ellis-van Creveld syndrome. Last evaluated: 2025-12-11. Review status: criteria provided, single submitter. Criteria: Invitae Variant Classification Sherloc (09022015). Collection method: clinical testing. Allele origin: germline.

Natera, Inc.
Classification: Uncertain significance for Ellis-van Creveld syndrome. Last evaluated: 2020-01-17. Review status: no assertion criteria provided. Collection method: clinical testing. Allele origin: germline. Not counted in ClinVar's aggregate classification.

PreventionGenetics, part of Exact Sciences
Classification: Likely benign for EVC-related condition. Last evaluated: 2019-09-12. Review status: no assertion criteria provided. Collection method: clinical testing. Allele origin: germline. Not counted in ClinVar's aggregate classification.
Comment: This variant is classified as likely benign based on ACMG/AMP sequence variant interpretation guidelines (Richards et al. 2015 PMID: 25741868, with internal and published modifications).

NM_153717.3(EVC):c.175-10C>T

Gene: EVC (EvC ciliary complex subunit 1; plus strand). Cytogenetic location: 4p16.2.
Variant type: single nucleotide variant.
Coding change: c.175-10C>T on transcript NM_153717.3 (MANE Select); 10 bases into the intron before coding-DNA position 175, C replaced by T.
Molecular consequence: intron variant.
Genome position (GRCh38, 1-based): chr4:5,719,238, C>T. VCF-style: chr4-5719238-C-T. GRCh37 (hg19) VCF-style: chr4-5720965-C-T.
Other names: c.175-10C>T (NM_001306090.2, NM_001306092.2).
Identifiers: ClinVar variation 720077 (VCV000720077.14), dbSNP rs113406354, ClinGen allele CA2835581.